The following is an entry in ClinVar:

NM_004186.5(SEMA3F):c.514G>A (p.Gly172Ser)

Gene: SEMA3F (semaphorin 3F; plus strand). Cytogenetic location: 3p21.31.
Variant type: single nucleotide variant.
Coding change: c.514G>A on transcript NM_004186.5 (MANE Select); coding-DNA position 514, G replaced by A.
Protein change: p.Gly172Ser; replaces glycine 172 with serine.
Molecular consequence: missense variant. On other transcripts: intron variant (2).
Genome position (GRCh38, 1-based): chr3:50,175,153, G>A. VCF-style: chr3-50175153-G-A. GRCh37 (hg19) VCF-style: chr3-50212586-G-A.
Other names: c.252+803G>A (NM_001318798.2); c.456+803G>A (NM_001318800.2); c.514G>A (NM_004186.4); short protein forms G172S.
Identifiers: ClinVar variation 2276451 (VCV002276451.3), dbSNP rs1188775526, ClinGen allele CA352884092.

ClinVar aggregate classification (germline): Uncertain significance. Review status: criteria provided, multiple submitters, no conflicts (2 of 4 stars). 2 submissions from 2 submitters: Uncertain significance (2). Last evaluated 2026-06-08.

Conditions:
SEMA3F-related disorder. Also called: SEMA3F-related condition.

Allele frequency attached by ClinVar (database versions not stated): gnomAD 0.00001; TOPMed 0.00001.
gnomAD v4.1: 5 of 1,608,142 alleles (0.00031%); highest among the groups gnomAD compares: African/African-American, 0.0027%; no homozygotes.

Submissions (2):

PreventionGenetics, part of Exact Sciences
Classification: Uncertain significance for SEMA3F-related condition. Last evaluated: 2026-06-08. Review status: criteria provided, single submitter. Criteria: ACMG Guidelines, 2015. Collection method: clinical testing. Allele origin: germline.
Comment: The SEMA3F c.514G>A variant is predicted to result in the amino acid substitution p.Gly172Ser. To our knowledge, this variant has not been reported in the literature. This variant is reported in 0.0042% of alleles in individuals of African descent in gnomAD. At this time, the clinical significance of this variant is uncertain due to the absence of conclusive functional and genetic evidence.

Ambry Genetics
Classification: Uncertain significance. Last evaluated: 2022-02-10. Review status: criteria provided, single submitter. Criteria: Ambry Variant Classification Scheme 2023. Collection method: clinical testing. Allele origin: germline.